The following is an entry in ClinVar:

NM_016284.5(CNOT1):c.4434+58A>T

Gene: CNOT1 (CCR4-NOT transcription complex subunit 1; minus strand). Cytogenetic location: 16q21.
Variant type: single nucleotide variant.
Coding change: c.4434+58A>T on transcript NM_016284.5 (MANE Select); 58 bases into the intron after coding-DNA position 4434, A replaced by T.
Molecular consequence: intron variant. On other transcripts: missense variant (1).
Genome position (GRCh38, 1-based): chr16:58,543,549, T>A on the plus strand (A>T on the coding strand, the complement: CNOT1 is on the minus strand). VCF-style: chr16-58543549-T-A. GRCh37 (hg19) VCF-style: chr16-58577453-T-A.
Other names: c.4492A>T, p.Ile1498Phe (NM_206999.3); c.4419+58A>T (NM_001265612.2); short protein forms I1498F.
Identifiers: ClinVar variation 4083750 (VCV004083750.8).

ClinVar aggregate classification (germline): Likely benign (1 of 4 stars; one submission).

gnomAD v4.1: 220 of 1,611,470 alleles (0.014%); highest among the groups gnomAD compares: Non-Finnish European, 0.018%; no homozygotes.

Submission:

CeGaT Center for Human Genetics Tuebingen
Classification: Likely benign. Last evaluated: 2026-03-01. Review status: criteria provided, single submitter. Criteria: CeGaT Center For Human Genetics Tuebingen Variant Classification Criteria Version 2. Collection method: clinical testing. Allele origin: germline. Affected: yes. Observed: 2 variant alleles.
Comment: CNOT1: PP2, BP4, BS2